The following is an entry in ClinVar:

ClinVar aggregate classification (germline): Uncertain significance (1 of 4 stars; one submission).

gnomAD v4.1: 3 of 1,601,786 alleles (0.00019%); highest among the groups gnomAD compares: Non-Finnish European, 0.00026%; no homozygotes.

Submission:

Ambry Genetics
Classification: Uncertain significance. Last evaluated: 2025-05-08. Review status: criteria provided, single submitter. Criteria: Ambry Variant Classification Scheme 2023. Collection method: clinical testing. Allele origin: germline.
Comment: The p.A1410E variant (also known as c.4229C>A), located in coding exon 19 of the WNK2 gene, results from a C to A substitution at nucleotide position 4229. The alanine at codon 1410 is replaced by glutamic acid, an amino acid with dissimilar properties. This amino acid position is conserved. In addition, this alteration is predicted to be tolerated by in silico analysis. Based on the available evidence, the clinical significance of this variant remains unclear.

NM_006648.4(WNK2):c.4229C>A (p.Ala1410Glu)

Gene: WNK2 (WNK lysine deficient protein kinase 2; plus strand). Cytogenetic location: 9q22.31.
Variant type: single nucleotide variant.
Coding change: c.4229C>A on transcript NM_006648.4 (MANE Select); coding-DNA position 4229, C replaced by A.
Protein change: p.Ala1410Glu; replaces alanine 1410 with glutamic acid.
Molecular consequence: missense variant.
Genome position (GRCh38, 1-based): chr9:93,288,983, C>A. VCF-style: chr9-93288983-C-A. GRCh37 (hg19) VCF-style: chr9-96051265-C-A.
Other names: c.4340C>A, p.Ala1447Glu (NM_001282394.3); short protein forms A1410E, A1447E.
Identifiers: ClinVar variation 3982014 (VCV003982014.1).